The following is an entry in ClinVar:

ClinVar aggregate classification (germline): Uncertain significance. Review status: criteria provided, multiple submitters, no conflicts (2 of 4 stars). 2 submissions from 2 submitters: Uncertain significance (2). Last evaluated 2022-10-17.

Conditions:
Combined immunodeficiency due to ZAP70 deficiency (IMD48). Also called: Immunodeficiency 48; ZAP70 Deficiency. Identifiers: Orphanet 911, MedGen C2931299, MONDO:0010023, OMIM 269840.

Allele frequency attached by ClinVar (database versions not stated): 1000 Genomes Project 30x 0.00031; 1000 Genomes Project 0.00040; gnomAD 0.00001.
gnomAD v4.1: 23 of 1,614,054 alleles (0.0014%); highest among the groups gnomAD compares: South Asian, 0.022%; no homozygotes.

Submissions (2):

Labcorp Genetics (formerly Invitae), Labcorp
Classification: Uncertain significance for Combined immunodeficiency due to ZAP70 deficiency. Last evaluated: 2022-10-17. Review status: criteria provided, single submitter. Criteria: Invitae Variant Classification Sherloc (09022015). Collection method: clinical testing. Allele origin: germline.
Comment: This variant has not been reported in the literature in individuals affected with ZAP70-related conditions. ClinVar contains an entry for this variant (Variation ID: 1023450). Algorithms developed to predict the effect of missense changes on protein structure and function are either unavailable or do not agree on the potential impact of this missense change (SIFT: "Not Available"; PolyPhen-2: "Possibly Damaging"; Align-GVGD: "Not Available"). In summary, the available evidence is currently insufficient to determine the role of this variant in disease. Therefore, it has been classified as a Variant of Uncertain Significance. This variant is present in population databases (rs201100932, gnomAD 0.03%). This sequence change replaces leucine, which is neutral and non-polar, with valine, which is neutral and non-polar, at codon 410 of the ZAP70 protein (p.Leu410Val).

Revvity Omics, Revvity
Classification: Uncertain significance. Last evaluated: 2020-01-21. Review status: criteria provided, single submitter. Criteria: ACMG Guidelines, 2015. Collection method: clinical testing. Allele origin: germline.

NM_001079.4(ZAP70):c.1228C>G (p.Leu410Val)

Gene: ZAP70 (zeta chain of T cell receptor associated protein kinase 70; plus strand). Cytogenetic location: 2q11.2.
Variant type: single nucleotide variant.
Coding change: c.1228C>G on transcript NM_001079.4 (MANE Select); coding-DNA position 1228, C replaced by G.
Protein change: p.Leu410Val; replaces leucine 410 with valine.
Molecular consequence: missense variant.
Genome position (GRCh38, 1-based): chr2:97,735,395, C>G. VCF-style: chr2-97735395-C-G. GRCh37 (hg19) VCF-style: chr2-98351858-C-G.
Other names: c.1228C>G (NM_001079.3); c.1228C>G, p.Leu410Val (NM_001378594.1); c.307C>G, p.Leu103Val (NM_207519.2); short protein forms L103V, L410V.
Identifiers: ClinVar variation 1023450 (VCV001023450.10), dbSNP rs201100932, ClinGen allele CA1790400.